The following is an entry in ClinVar:

NC_000001.10:g.(?_183155488)_(183177214_?)del

Gene: LAMC2 (laminin subunit gamma 2; plus strand). Cytogenetic location: 1q25.3.
Variant type: Deletion.
Identifiers: ClinVar variation 1460258 (VCV001460258.3).

ClinVar aggregate classification (germline): Pathogenic (1 of 4 stars; one submission).

Submission:

Labcorp Genetics (formerly Invitae), Labcorp
Classification: Pathogenic. Last evaluated: 2020-11-02. Review status: criteria provided, single submitter. Criteria: Invitae Variant Classification Sherloc (09022015). Collection method: clinical testing. Allele origin: germline.
Comment: This variant is a gross deletion of the genomic region encompassing exon(s) 1-2 of the LAMC2 gene, which includes the initiator codon. The 5' end of this event is unknown as it extends beyond the assayed region for this gene and therefore may encompass additional genes. The 3' boundary is likely confined to intron 2 of the LAMC2 gene. It is expected to result in an absent or disrupted protein product. Loss-of-function variants in LAMC2 are known to be pathogenic (PMID: 11907499, 16473856). This variant has not been reported in the literature in individuals with LAMC2-related conditions. For these reasons, this variant has been classified as Pathogenic.

Literature cited by the submitters: PubMed 11907499; PubMed 16473856.